The following is an entry in ClinVar:

ClinVar aggregate classification (germline): Likely benign. Review status: criteria provided, multiple submitters, no conflicts (2 of 4 stars). 2 submissions from 2 submitters: Likely benign (2). Last evaluated 2023-02-01.

Allele frequency attached by ClinVar (database versions not stated): gnomAD exomes 0.00008; ExAC 0.00028; 1000 Genomes Project 30x 0.00047; 1000 Genomes Project 0.00060; ESP Exome Variant Server 0.00069; gnomAD 0.00078; TOPMed 0.00092.
gnomAD v4.1: 255 of 1,614,196 alleles (0.016%); highest among the groups gnomAD compares: African/African-American, 0.29%; 2 homozygotes.

Submissions (2):

CeGaT Center for Human Genetics Tuebingen
Classification: Likely benign. Last evaluated: 2023-02-01. Review status: criteria provided, single submitter. Criteria: CeGaT Center For Human Genetics Tuebingen Variant Classification Criteria Version 2. Collection method: clinical testing. Allele origin: germline. Affected: yes. Observed: 1 variant allele.
Comment: SPTBN1: BP4, BP7, BS1

Breakthrough Genomics
Classification: Likely benign. Review status: criteria provided, single submitter. Criteria: ACMG Guidelines, 2015. Collection method: not provided. Allele origin: germline. Inheritance: Autosomal dominant inheritance. Affected: yes.

NM_003128.3(SPTBN1):c.105C>T (p.Ser35=)

Genes: SPTBN1 (spectrin beta, non-erythrocytic 1; plus strand), SPTBN1-AS1 (SPTBN1 antisense RNA 1; minus strand). Cytogenetic location: 2p16.2.
Variant type: single nucleotide variant.
Coding change: c.105C>T on transcript NM_003128.3 (MANE Select); coding-DNA position 105, C replaced by T.
Protein change: p.Ser35=; no amino-acid change (serine 35 retained).
Molecular consequence: synonymous variant.
Genome position (GRCh38, 1-based): chr2:54,526,523, C>T. VCF-style: chr2-54526523-C-T. GRCh37 (hg19) VCF-style: chr2-54753660-C-T.
Identifiers: ClinVar variation 2650916 (VCV002650916.25), dbSNP rs111350284, ClinGen allele CA1659875.